The following is an entry in ClinVar:

NM_001854.4(COL11A1):c.2194C>T (p.Pro732Ser)

Gene: COL11A1 (collagen type XI alpha 1 chain; minus strand). Cytogenetic location: 1p21.1.
Variant type: single nucleotide variant.
Coding change: c.2194C>T on transcript NM_001854.4 (MANE Select); coding-DNA position 2194, C replaced by T.
Protein change: p.Pro732Ser; replaces proline 732 with serine.
Molecular consequence: missense variant. On other transcripts: non-coding transcript variant (1).
Genome position (GRCh38, 1-based): chr1:102,998,312, G>A on the plus strand (C>T on the coding strand, the complement: COL11A1 is on the minus strand). VCF-style: chr1-102998312-G-A. GRCh37 (hg19) VCF-style: chr1-103463868-G-A.
Other names: Chr1:103463868G>A; c.2077C>T, p.Pro693Ser (NM_001190709.2); c.2230C>T, p.Pro744Ser (NM_080629.3); c.1846C>T, p.Pro616Ser (NM_080630.4); c.2194C>T (NM_001854.3); short protein forms P616S, P693S, P732S, P744S.
Identifiers: ClinVar variation 997012 (VCV000997012.9), dbSNP rs375443900, ClinGen allele CA974564.
Genomic context (GRCh38, chr1:102,998,312, plus strand): 5'-AAATCTATTTTTAAAGATAATGTAAAGAAATTTTAATGACCAGGTAGCTGTTACTTACAG[G>A]AGGCCCATCAGCACCAGGAAGTCCAGCAAGTCCTGGTTTTCCTTGTGGTCCCTTATAGAG-3'
Protein context (NP_001845.3, residues 722-742): LAGLPGADGP[Pro732Ser]GHPGKEGQSG

ClinVar aggregate classification (germline): Uncertain significance. Review status: criteria provided, multiple submitters, no conflicts (2 of 4 stars). 3 submissions from 3 submitters: Uncertain significance (2). 1 of the submissions does not count toward it. Last evaluated 2025-07-16.

Conditions:
Sensorineural hearing loss disorder. Also called: Sensorineural hearing loss; Sensorineural hearing impairment; Sensorineural Deafness. Identifiers: MedGen C0018784, MeSH D006319, MONDO:0020678, HP:0000407.

Allele frequency attached by ClinVar (database versions not stated): gnomAD exomes below 0.00001 and 0.00001; TOPMed 0.00001; ExAC 0.00002; ESP Exome Variant Server 0.00008.
gnomAD v4.1: 4 of 1,606,596 alleles (0.00025%); highest among the groups gnomAD compares: South Asian, 0.0022%; no homozygotes.

Submissions (3):

GeneDx
Classification: Uncertain significance. Last evaluated: 2025-07-16. Review status: criteria provided, single submitter. Criteria: GeneDx Variant Classification Process June 2021. Collection method: clinical testing. Allele origin: germline. Affected: yes.
Comment: Not observed at significant frequency in large population cohorts (gnomAD); In silico analysis supports that this missense variant has a deleterious effect on protein structure/function; Has not been previously published as pathogenic or benign to our knowledge

Labcorp Genetics (formerly Invitae), Labcorp
Classification: Uncertain significance. Last evaluated: 2022-10-15. Review status: criteria provided, single submitter. Criteria: Invitae Variant Classification Sherloc (09022015). Collection method: clinical testing. Allele origin: germline.
Comment: In summary, the available evidence is currently insufficient to determine the role of this variant in disease. Therefore, it has been classified as a Variant of Uncertain Significance. Algorithms developed to predict the effect of missense changes on protein structure and function are either unavailable or do not agree on the potential impact of this missense change (SIFT: "Deleterious"; PolyPhen-2: "Not Available"; Align-GVGD: "Class C65"). ClinVar contains an entry for this variant (Variation ID: 997012). This variant has not been reported in the literature in individuals affected with COL11A1-related conditions. This variant is present in population databases (rs375443900, gnomAD 0.003%). This sequence change replaces proline, which is neutral and non-polar, with serine, which is neutral and polar, at codon 732 of the COL11A1 protein (p.Pro732Ser).

Center for Human Genetics and Genomic Medicine, Uniklinik Rwth Aachen
Classification: Uncertain significance for Sensorineural hearing loss disorder. Review status: no assertion criteria provided. Collection method: clinical testing. Allele origin: germline. Inheritance: Autosomal dominant inheritance. Affected: yes. Observed: 1 variant allele, 1 heterozygote. Not counted in ClinVar's aggregate classification.